The following is an entry in ClinVar:

NM_170707.4(LMNA):c.1115A>G (p.Glu372Gly)

Gene: LMNA (lamin A/C; plus strand). Cytogenetic location: 1q22.
Variant type: single nucleotide variant.
Coding change: c.1115A>G on transcript NM_170707.4 (MANE Select); coding-DNA position 1115, A replaced by G.
Protein change: p.Glu372Gly; replaces glutamic acid 372 with glycine.
Molecular consequence: missense variant.
Genome position (GRCh38, 1-based): chr1:156,136,079, A>G. VCF-style: chr1-156136079-A-G. GRCh37 (hg19) VCF-style: chr1-156105870-A-G.
Other names: c.779A>G, p.Glu260Gly (NM_001257374.3); c.872A>G, p.Glu291Gly (NM_001282624.2); c.1115A>G, p.Glu372Gly (NM_001282625.2, NM_001282626.2, NM_005572.4 and 1 more transcripts); short protein forms E291G, E260G, E372G.
Identifiers: ClinVar variation 1467968 (VCV001467968.6), dbSNP rs2102888292, ClinGen allele CA342820499.

ClinVar aggregate classification (germline): Pathogenic (1 of 4 stars; one submission).

Conditions:
Charcot-Marie-Tooth disease type 2. Also called: Charcot-Marie-Tooth type 2. Identifiers: Orphanet 64746, MedGen C0270914, MONDO:0018993.

Submission:

Labcorp Genetics (formerly Invitae), Labcorp
Classification: Pathogenic for Charcot-Marie-Tooth disease type 2. Last evaluated: 2024-04-02. Review status: criteria provided, single submitter. Criteria: Invitae Variant Classification Sherloc (09022015). Collection method: clinical testing. Allele origin: germline.
Comment: This sequence change replaces glutamic acid, which is acidic and polar, with glycine, which is neutral and non-polar, at codon 372 of the LMNA protein (p.Glu372Gly). This variant is not present in population databases (gnomAD no frequency). This missense change has been observed in individual(s) with limb-girdle muscular dystrophy (Invitae). In at least one individual the variant was observed to be de novo. ClinVar contains an entry for this variant (Variation ID: 1467968). Advanced modeling of protein sequence and biophysical properties (such as structural, functional, and spatial information, amino acid conservation, physicochemical variation, residue mobility, and thermodynamic stability) performed at Invitae indicates that this missense variant is expected to disrupt LMNA protein function with a positive predictive value of 95%. This variant disrupts the p.Gly372 amino acid residue in LMNA. Other variant(s) that disrupt this residue have been determined to be pathogenic (Invitae). This suggests that this residue is clinically significant, and that variants that disrupt this residue are likely to be disease-causing. For these reasons, this variant has been classified as Pathogenic.